The following is an entry in ClinVar:

ClinVar aggregate classification (germline): Uncertain significance (1 of 4 stars; one submission).

Submission:

Labcorp Genetics (formerly Invitae), Labcorp
Classification: Uncertain significance. Last evaluated: 2025-06-13. Review status: criteria provided, single submitter. Criteria: Invitae Variant Classification Sherloc (09022015). Collection method: clinical testing. Allele origin: germline.
Comment: This sequence change replaces proline, which is neutral and non-polar, with serine, which is neutral and polar, at codon 116 of the LHCGR protein (p.Pro116Ser). This variant is present in population databases (rs377265035, gnomAD 0.008%). This variant has not been reported in the literature in individuals affected with LHCGR-related conditions. Invitae Evidence Modeling of protein sequence and biophysical properties (such as structural, functional, and spatial information, amino acid conservation, physicochemical variation, residue mobility, and thermodynamic stability) indicates that this missense variant is not expected to disrupt LHCGR protein function with a negative predictive value of 80%. In summary, the available evidence is currently insufficient to determine the role of this variant in disease. Therefore, it has been classified as a Variant of Uncertain Significance.

NM_000233.4(LHCGR):c.346C>T (p.Pro116Ser)

Genes: STON1-GTF2A1L (STON1-GTF2A1L readthrough; plus strand), LHCGR (luteinizing hormone/choriogonadotropin receptor; minus strand). Cytogenetic location: 2p16.3.
Variant type: single nucleotide variant.
Coding change: c.346C>T on transcript NM_000233.4 (MANE Select); coding-DNA position 346, C replaced by T.
Protein change: p.Pro116Ser; replaces proline 116 with serine.
Molecular consequence: missense variant. On other transcripts: intron variant (1).
Genome position (GRCh38, 1-based): chr2:48,725,713, G>A on the plus strand (C>T on the coding strand, the complement: LHCGR is on the minus strand). VCF-style: chr2-48725713-G-A. GRCh37 (hg19) VCF-style: chr2-48952852-G-A.
Other names: c.3442-50567G>A (NM_001198593.2); short protein forms P116S.
Identifiers: ClinVar variation 4796868 (VCV004796868.1).
Genomic context (GRCh38, chr2:48,725,713, plus strand): 5'-GCTTAAAAAGGAAAATTTCTCACAAGTATTTTAATCGGGGAAGATTTATAAATGCTCCGG[G>A]CTCAATGTATCTCAGATTTTTGGTGTTCTGGATCAGTCTGTAAAGAGAGAGGGAAAAAAA-3'
Protein context (NP_000224.2, residues 106-126): QNTKNLRYIE[Pro116Ser]GAFINLPRLK